The following is an entry in ClinVar:

NM_006648.4(WNK2):c.6490T>G (p.Trp2164Gly)

Gene: WNK2 (WNK lysine deficient protein kinase 2; plus strand). Cytogenetic location: 9q22.31.
Variant type: single nucleotide variant.
Coding change: c.6490T>G on transcript NM_006648.4 (MANE Select); coding-DNA position 6490, T replaced by G.
Protein change: p.Trp2164Gly; replaces tryptophan 2164 with glycine.
Molecular consequence: missense variant.
Genome position (GRCh38, 1-based): chr9:93,308,558, T>G. VCF-style: chr9-93308558-T-G. GRCh37 (hg19) VCF-style: chr9-96070840-T-G.
Other names: c.6601T>G, p.Trp2201Gly (NM_001282394.3); short protein forms W2164G, W2201G.
Identifiers: ClinVar variation 4605390 (VCV004605390.1).

ClinVar aggregate classification (germline): Uncertain significance (1 of 4 stars; one submission).

Submission:

Ambry Genetics
Classification: Uncertain significance. Last evaluated: 2025-11-25. Review status: criteria provided, single submitter. Criteria: Ambry Variant Classification Scheme 2023. Collection method: clinical testing. Allele origin: germline.
Comment: The p.W2164G variant (also known as c.6490T>G), located in coding exon 27 of the WNK2 gene, results from a T to G substitution at nucleotide position 6490. The tryptophan at codon 2164 is replaced by glycine, an amino acid with highly dissimilar properties. This amino acid position is conserved. In addition, this alteration is predicted to be tolerated by in silico analysis. Based on the available evidence, the clinical significance of this variant remains unclear.